The following is an entry in ClinVar:

NM_002085.5(GPX4):c.536G>A (p.Arg179His)

Gene: GPX4 (glutathione peroxidase 4; plus strand). Cytogenetic location: 19p13.3.
Variant type: single nucleotide variant.
Coding change: c.536G>A on transcript NM_002085.5 (MANE Select); coding-DNA position 536, G replaced by A.
Protein change: p.Arg179His; replaces arginine 179 with histidine.
Molecular consequence: missense variant. On other transcripts: synonymous variant (1).
Genome position (GRCh38, 1-based): chr19:1,106,434, G>A. VCF-style: chr19-1106434-G-A. GRCh37 (hg19) VCF-style: chr19-1106433-G-A.
Other names: c.558G>A, p.Ala186= (NM_001039847.3); c.647G>A, p.Arg216His (NM_001039848.4); c.455G>A, p.Arg152His (NM_001367832.1); c.647G>A (NM_001039848.3); short protein forms R152H, R179H, R216H.
Identifiers: ClinVar variation 1332848 (VCV001332848.5), dbSNP rs763745871, ClinGen allele CA9037477.

ClinVar aggregate classification (germline): Likely pathogenic. Review status: criteria provided, multiple submitters, no conflicts (2 of 4 stars). 3 submissions from 3 submitters: Likely pathogenic (2). 1 of the submissions does not count toward it. Last evaluated 2024-01-13.

Conditions:
Spondylometaphyseal dysplasia, Sedaghatian type. Also called: SEDAGHATIAN CHONDRODYSPLASIA; Lethal metaphyseal dysplasia; METAPHYSEAL CHONDRODYSPLASIA, CONGENITAL LETHAL. Identifiers: Orphanet 93317, MedGen C1855229, MONDO:0009593, OMIM 250220.
GPX4-related disorder. Also called: GPX4-related condition.

Allele frequency attached by ClinVar (database versions not stated): gnomAD 0.00001; gnomAD exomes 0.00001 and 0.00002; TOPMed 0.00002; ExAC 0.00004.
gnomAD v4.1: 22 of 1,613,276 alleles (0.0014%); highest among the groups gnomAD compares: South Asian, 0.0099%; no homozygotes.

Submissions (3):

Labcorp Genetics (formerly Invitae), Labcorp
Classification: Likely pathogenic. Last evaluated: 2024-01-13. Review status: criteria provided, single submitter. Criteria: Invitae Variant Classification Sherloc (09022015). Collection method: clinical testing. Allele origin: germline.
Comment: This sequence change replaces arginine, which is basic and polar, with histidine, which is basic and polar, at codon 216 of the GPX4 protein (p.Arg216His). This variant is present in population databases (rs763745871, gnomAD 0.01%). This missense change has been observed in individuals with clinical features of spondylometaphyseal dysplasia, Sedaghatian type (PMID: 34688299). This variant is also known as p.Arg152His. ClinVar contains an entry for this variant (Variation ID: 1332848). Algorithms developed to predict the effect of variants on protein structure and function are not available or were not evaluated for this variant. Experimental studies have shown that this missense change affects GPX4 function (PMID: 34931062). In summary, the currently available evidence indicates that the variant is pathogenic, but additional data are needed to prove that conclusively. Therefore, this variant has been classified as Likely Pathogenic.

PreventionGenetics, part of Exact Sciences
Classification: Likely pathogenic for GPX4-related condition. Last evaluated: 2023-04-27. Review status: criteria provided, single submitter. Criteria: ACMG Guidelines, 2015. Collection method: clinical testing. Allele origin: germline.
Comment: The GPX4 c.647G>A variant is predicted to result in the amino acid substitution p.Arg216His. This variant has also been documented in alternate transcripts as p.Arg152His (NM_001367832.1) and p.Arg179His (NM_002085.5). This variant has been documented in the homozygous state in patients with Sedaghatian type spondylometaphyseal dysplasia (SSMD) (Cheff et al. 2021. PubMed ID: 34688299; Liu et al. 2021. PubMed ID: 34931062). In some of these patients it was noted that the phenotypic expression of SSMD was mild (Liu et al. 2021. PubMed ID: 34931062). In a series of functional studies, this variant was shown to have an ~40% reduction in enzymatic activity compared to wild type (Liu et al. 2021. PubMed ID: 34931062). This variant is reported in 0.013% of alleles in individuals of South Asian descent in gnomAD. Based on this evidence, we interpret this variant as likely pathogenic.

Kasturba Medical College, Manipal, Kasturba Medical College, Manipal, Manipal Academy of Higher Education, Manipal, India
Classification: Uncertain significance for Spondylometaphyseal dysplasia, Sedaghatian type. Review status: flagged submission. Criteria: ACMG Guidelines, 2015. Collection method: clinical testing. Allele origin: inherited. Inheritance: Autosomal recessive inheritance. Affected: yes. Not counted in ClinVar's aggregate classification.
ClinVar note: Reason: Older claim that does not account for recent evidence

Literature cited by the submitters: PubMed 34688299 (cited by Labcorp Genetics (formerly Invitae), Labcorp); PubMed 34931062 (cited by Labcorp Genetics (formerly Invitae), Labcorp); PubMed 24706940 (cited by Kasturba Medical College, Manipal, Kasturba Medical College, Manipal, Manipal Academy of Higher Education, Manipal, India).